The following is an entry in ClinVar:

NM_020461.4(TUBGCP6):c.1301G>C (p.Ser434Thr)

Gene: TUBGCP6 (tubulin gamma complex component 6; minus strand). Cytogenetic location: 22q13.33.
Variant type: single nucleotide variant.
Coding change: c.1301G>C on transcript NM_020461.4 (MANE Select); coding-DNA position 1301, G replaced by C.
Protein change: p.Ser434Thr; replaces serine 434 with threonine.
Molecular consequence: missense variant.
Genome position (GRCh38, 1-based): chr22:50,228,018, C>G on the plus strand (G>C on the coding strand, the complement: TUBGCP6 is on the minus strand). VCF-style: chr22-50228018-C-G. GRCh37 (hg19) VCF-style: chr22-50666447-C-G.
Other names: short protein forms S434T.
Identifiers: ClinVar variation 1968572 (VCV001968572.3), dbSNP rs1457688060, ClinGen allele CA412108270.
Genomic context (GRCh38, chr22:50,228,018, plus strand): 5'-AGGGTGGGCGGAGTGGAAAGGACGCAGGCCCGGTAATACTGCAGGTACCTCCTCAGGCCA[C>G]TGGTGAAGGCCTGTGGGCAAAGAGGCTGGGAGGAGGGCGGCCAGGCACATGGACGCAGCC-3'
Protein context (NP_065194.3, residues 424-444): SKGLVFQAFT[Ser434Thr]GLRRYLQYYR

ClinVar aggregate classification (germline): Uncertain significance (1 of 4 stars; one submission).

Allele frequency attached by ClinVar (database versions not stated): gnomAD 0.00001; TOPMed 0.00001.
gnomAD v4.1: 2 of 1,557,516 alleles (0.00013%); highest among the groups gnomAD compares: African/African-American, 0.0027%; no homozygotes.

Submission:

Labcorp Genetics (formerly Invitae), Labcorp
Classification: Uncertain significance. Last evaluated: 2022-08-16. Review status: criteria provided, single submitter. Criteria: Invitae Variant Classification Sherloc (09022015). Collection method: clinical testing. Allele origin: germline.
Comment: In summary, the available evidence is currently insufficient to determine the role of this variant in disease. Therefore, it has been classified as a Variant of Uncertain Significance. Algorithms developed to predict the effect of missense changes on protein structure and function are either unavailable or do not agree on the potential impact of this missense change (SIFT: "Tolerated"; PolyPhen-2: "Probably Damaging"; Align-GVGD: "Class C0"). This variant has not been reported in the literature in individuals affected with TUBGCP6-related conditions. This variant is present in population databases (no rsID available, gnomAD 0.01%). This sequence change replaces serine, which is neutral and polar, with threonine, which is neutral and polar, at codon 434 of the TUBGCP6 protein (p.Ser434Thr).